The following is an entry in ClinVar:

ClinVar aggregate classification (germline): Uncertain significance (1 of 4 stars; one submission).

Allele frequency attached by ClinVar (database versions not stated): TOPMed 0.00002; gnomAD 0.00003; gnomAD exomes 0.00005.
gnomAD v4.1: 80 of 1,613,728 alleles (0.005%); highest among the groups gnomAD compares: Non-Finnish European, 0.0067%; no homozygotes.

Submission:

GeneDx
Classification: Uncertain significance. Last evaluated: 2023-02-16. Review status: criteria provided, single submitter. Criteria: GeneDx Variant Classification Process June 2021. Collection method: clinical testing. Allele origin: germline. Affected: yes.
Comment: Not observed at significant frequency in large population cohorts (gnomAD); In silico analysis supports that this missense variant does not alter protein structure/function; Has not been previously published as pathogenic or benign to our knowledge

NM_001042603.3(KDM5A):c.2357A>T (p.Asp786Val)

Gene: KDM5A (lysine demethylase 5A; minus strand). Cytogenetic location: 12p13.33.
Variant type: single nucleotide variant.
Coding change: c.2357A>T on transcript NM_001042603.3 (MANE Select); coding-DNA position 2357, A replaced by T.
Protein change: p.Asp786Val; replaces aspartic acid 786 with valine.
Molecular consequence: missense variant.
Genome position (GRCh38, 1-based): chr12:322,486, T>A on the plus strand (A>T on the coding strand, the complement: KDM5A is on the minus strand). VCF-style: chr12-322486-T-A. GRCh37 (hg19) VCF-style: chr12-431652-T-A.
Other names: short protein forms D786V.
Identifiers: ClinVar variation 2576872 (VCV002576872.1), dbSNP rs890670708, ClinGen allele CA231397042.
Genomic context (GRCh38, chr12:322,486, plus strand): 5'-TGCTTTTTGCTCAGAAGCAGCTGAGCCACAGAAGCACAGGTCTCAGCTTCTTTTACAGCA[T>A]CCCTGAGTTTTCGAAAGAGATCATTCTCTGGGTATTTCCTATCCTCAGCATCTTCCAGCA-3'
Protein context (NP_001036068.1, residues 776-796): PENDLFRKLR[Asp786Val]AVKEAETCAS